The following is an entry in ClinVar:

ClinVar aggregate classification (germline): Likely benign (1 of 4 stars; one submission).

Conditions:
SLC25A19-related disorder. Also called: SLC25A19-related condition.

Submission:

PreventionGenetics, part of Exact Sciences
Classification: Likely benign for SLC25A19-related condition. Last evaluated: 2026-06-28. Review status: criteria provided, single submitter. Criteria: ACMG Guidelines, 2015. Collection method: clinical testing. Allele origin: germline.
Comment: This variant is classified as likely benign based on ACMG/AMP sequence variant interpretation guidelines (Richards et al. 2015 PMID: 25741868, with internal and published modifications).

NM_001126121.2(SLC25A19):c.663T>G (p.Leu221=)

Gene: SLC25A19 (solute carrier family 25 member 19; minus strand). Cytogenetic location: 17q25.1.
Variant type: single nucleotide variant.
Coding change: c.663T>G on transcript NM_001126121.2 (MANE Select); coding-DNA position 663, T replaced by G.
Protein change: p.Leu221=; no amino-acid change (leucine 221 retained).
Molecular consequence: synonymous variant.
Genome position (GRCh38, 1-based): chr17:75,277,464, A>C on the plus strand (T>G on the coding strand, the complement: SLC25A19 is on the minus strand). VCF-style: chr17-75277464-A-C. GRCh37 (hg19) VCF-style: chr17-73273545-A-C.
Other names: c.663T>G, p.Leu221= (NM_001126122.2, NM_021734.5).
Identifiers: ClinVar variation 4993669 (VCV004993669.1).